The following is an entry in ClinVar:

NM_001267550.2(TTN):c.92901C>T (p.Ser30967=)

Genes: TTN (titin; minus strand), TTN-AS1 (TTN antisense RNA 1; plus strand). Cytogenetic location: 2q31.2.
Variant type: single nucleotide variant.
Coding change: c.92901C>T on transcript NM_001267550.2 (MANE Select); coding-DNA position 92901, C replaced by T.
Protein change: p.Ser30967=; no amino-acid change (serine 30967 retained).
Molecular consequence: synonymous variant.
Genome position (GRCh38, 1-based): chr2:178,548,725, G>A on the plus strand (C>T on the coding strand, the complement: TTN is on the minus strand). VCF-style: chr2-178548725-G-A. GRCh37 (hg19) VCF-style: chr2-179413452-G-A.
Other names: p.S28399S:AGC>AGT; p.Ser28399=; c.87978C>T, p.Ser29326= (NM_001256850.1); c.65706C>T, p.Ser21902= (NM_003319.4); c.85197C>T, p.Ser28399= (NM_133378.4); c.66081C>T, p.Ser22027= (NM_133432.3); c.66282C>T, p.Ser22094= (NM_133437.4).
Identifiers: ClinVar variation 47529 (VCV000047529.52), dbSNP rs11694623, ClinGen allele CA284060.

ClinVar aggregate classification (germline): Benign/Likely benign. Review status: criteria provided, multiple submitters, no conflicts (2 of 4 stars). 28 submissions from 21 submitters: Benign (17); Likely benign (5). 6 of the submissions do not count toward it. Last evaluated 2026-02-04.

Conditions:
Dilated cardiomyopathy 1G (CMD1G). Identifiers: Orphanet 154, MedGen C1858763, MONDO:0011400, OMIM 604145.
Autosomal recessive limb-girdle muscular dystrophy type 2J (LGMDR10). Also called: MUSCULAR DYSTROPHY, LIMB-GIRDLE, AUTOSOMAL RECESSIVE 10; Limb-girdle muscular dystrophy, type 2J. Identifiers: Orphanet 140922, MedGen C1837342, MONDO:0012127, OMIM 608807.
Cardiovascular phenotype. Identifiers: MedGen CN230736.
Cardiomyopathy (CMYO). Also called: Cardiomyopathies. Identifiers: Orphanet 167848, MedGen C0878544, MONDO:0004994, HP:0001638. Inheritance: Various modes of inheritance.
Early-onset myopathy with fatal cardiomyopathy (CMYO5). Also called: CONGENITAL MYOPATHY 5 WITH CARDIOMYOPATHY; Salih Myopathy. Identifiers: Orphanet 289377, MedGen C2673677, MONDO:0012714, OMIM 611705. Disease mechanism: loss of function.
Myopathy, myofibrillar, 9, with early respiratory failure (MFM9). Also called: Myopathy, distal, with early respiratory failure, autosomal dominant; Hereditary myopathy with early respiratory failure; MYOPATHY, PROXIMAL, WITH EARLY RESPIRATORY MUSCLE INVOLVEMENT; EDSTROM MYOPATHY. Identifiers: Orphanet 178464, Orphanet 34521, MedGen C1863599, MONDO:0011362, OMIM 603689.
Tibial muscular dystrophy (TMD). Also called: Udd Distal Myopathy – Tibial Muscular Dystrophy; Tibial muscular dystrophy, tardive; UDD MYOPATHY. Identifiers: Orphanet 609, MedGen C1838244, MONDO:0010870, OMIM 600334.

Allele frequency attached by ClinVar (database versions not stated): gnomAD exomes 0.01972; gnomAD 0.01999 and 0.01960; 1000 Genomes Project 0.01218; 1000 Genomes Project 30x 0.01249; ExAC 0.01949; ESP Exome Variant Server 0.02327; TOPMed 0.02135.
gnomAD v4.1: 40,426 of 1,613,798 alleles (2.5%); highest among the groups gnomAD compares: Non-Finnish European, 3%; 601 homozygotes.

Submissions (28):

Labcorp Genetics (formerly Invitae), Labcorp
Classification: Benign for Dilated cardiomyopathy 1G; Autosomal recessive limb-girdle muscular dystrophy type 2J. Last evaluated: 2026-02-04. Review status: criteria provided, single submitter. Criteria: Invitae Variant Classification Sherloc (09022015). Collection method: clinical testing. Allele origin: germline.

ARUP Laboratories, Molecular Genetics and Genomics, ARUP Laboratories
Classification: Benign. Last evaluated: 2025-07-08. Review status: criteria provided, single submitter. Criteria: ARUP Molecular Germline Variant Investigation Process 2024. Collection method: clinical testing. Allele origin: germline.

Molecular Diagnostic Laboratory for Inherited Cardiovascular Disease, Montreal Heart Institute
Classification: Benign. Last evaluated: 2025-04-09. Review status: criteria provided, single submitter. Criteria: ACMG Guidelines, 2015. Collection method: clinical testing. Allele origin: germline. Affected: no.

Blueprint Genetics
Classification: Likely benign. Last evaluated: 2024-11-25. Review status: criteria provided, single submitter. Criteria: ACMG Guidelines, 2015. Collection method: clinical testing. Allele origin: germline.

Genome-Nilou Lab
Classification: Benign for Autosomal recessive limb-girdle muscular dystrophy type 2J. Last evaluated: 2021-09-10. Review status: criteria provided, single submitter. Criteria: ACMG Guidelines, 2015. Collection method: clinical testing. Allele origin: germline. Affected: no.

Genome-Nilou Lab
Classification: Benign for Myopathy, myofibrillar, 9, with early respiratory failure. Last evaluated: 2021-09-10. Review status: criteria provided, single submitter. Criteria: ACMG Guidelines, 2015. Collection method: clinical testing. Allele origin: germline. Affected: no.

Genome-Nilou Lab
Classification: Benign for Early-onset myopathy with fatal cardiomyopathy. Last evaluated: 2021-09-10. Review status: criteria provided, single submitter. Criteria: ACMG Guidelines, 2015. Collection method: clinical testing. Allele origin: germline. Affected: no.

Genome-Nilou Lab
Classification: Benign for Tibial muscular dystrophy. Last evaluated: 2021-09-10. Review status: criteria provided, single submitter. Criteria: ACMG Guidelines, 2015. Collection method: clinical testing. Allele origin: germline. Affected: no.

Women's Health and Genetics/Laboratory Corporation of America, LabCorp
Classification: Benign. Last evaluated: 2019-11-16. Review status: criteria provided, single submitter. Criteria: LabCorp Variant Classification Summary - May 2015. Collection method: clinical testing. Allele origin: germline.

Athena Diagnostics
Classification: Benign. Last evaluated: 2019-05-10. Review status: criteria provided, single submitter. Criteria: Athena Diagnostics Criteria. Collection method: clinical testing. Allele origin: germline.

CHEO Genetics Diagnostic Laboratory, Children's Hospital of Eastern Ontario
Classification: Benign for Cardiomyopathy. Last evaluated: 2019-02-13. Review status: criteria provided, single submitter. Criteria: ACMG Guidelines, 2015. Collection method: clinical testing. Allele origin: germline.

Ambry Genetics
Classification: Benign for Cardiovascular phenotype. Last evaluated: 2019-02-07. Review status: criteria provided, single submitter. Criteria: Ambry Autosomal Dominant and X-Linked criteria (3/2017). Collection method: clinical testing. Allele origin: germline. Observed: 1 variant allele.

Illumina Laboratory Services, Illumina
Classification: Benign for Myopathy, myofibrillar, 9, with early respiratory failure. Last evaluated: 2018-01-13. Review status: criteria provided, single submitter. Criteria: ICSL Variant Classification Criteria 13 December 2019. Collection method: clinical testing. Allele origin: germline.
Comment: This variant was observed in the ICSL laboratory as part of a predisposition screen in an ostensibly healthy population. It had not been previously curated by ICSL or reported in the Human Gene Mutation Database (HGMD: prior to June 1st, 2018), and was therefore a candidate for classification through an automated scoring system. Utilizing variant allele frequency, disease prevalence and penetrance estimates, and inheritance mode, an automated score was calculated to assess if this variant is too frequent to cause the disease. Based on the score and internal cut-off values, a variant classified as benign is not then subjected to further curation. The score for this variant resulted in a classification of benign for this disease.

Illumina Laboratory Services, Illumina
Classification: Likely benign for Dilated cardiomyopathy 1G. Last evaluated: 2018-01-13. Review status: criteria provided, single submitter. Criteria: ICSL Variant Classification Criteria 13 December 2019. Collection method: clinical testing. Allele origin: germline.
Comment: This variant was observed in the ICSL laboratory as part of a predisposition screen in an ostensibly healthy population. It had not been previously curated by ICSL or reported in the Human Gene Mutation Database (HGMD: prior to June 1st, 2018), and was therefore a candidate for classification through an automated scoring system. Utilizing variant allele frequency, disease prevalence and penetrance estimates, and inheritance mode, an automated score was calculated to assess if this variant is too frequent to cause the disease. Based on the score and internal cut-off values, a variant classified as likely benign is not then subjected to further curation. The score for this variant resulted in a classification of likely benign for this disease.

Illumina Laboratory Services, Illumina
Classification: Likely benign for Autosomal recessive limb-girdle muscular dystrophy type 2J. Last evaluated: 2018-01-13. Review status: criteria provided, single submitter. Criteria: ICSL Variant Classification Criteria 13 December 2019. Collection method: clinical testing. Allele origin: germline.
Comment: the same text as in the submission from Illumina Laboratory Services, Illumina above.

Illumina Laboratory Services, Illumina
Classification: Benign for Tibial muscular dystrophy. Last evaluated: 2018-01-13. Review status: criteria provided, single submitter. Criteria: ICSL Variant Classification Criteria 13 December 2019. Collection method: clinical testing. Allele origin: germline.
Comment: the same text as in the submission from Illumina Laboratory Services, Illumina above.

Illumina Laboratory Services, Illumina
Classification: Likely benign for Early-onset myopathy with fatal cardiomyopathy. Last evaluated: 2018-01-13. Review status: criteria provided, single submitter. Criteria: ICSL Variant Classification Criteria 13 December 2019. Collection method: clinical testing. Allele origin: germline.
Comment: the same text as in the submission from Illumina Laboratory Services, Illumina above.

Mayo Clinic Laboratories, Mayo Clinic
Classification: Benign. Last evaluated: 2017-12-01. Review status: criteria provided, single submitter. Criteria: ACMG Guidelines, 2015. Collection method: clinical testing. Allele origin: germline. Observed: 118 variant alleles.

GeneDx
Classification: Benign. Last evaluated: 2012-10-16. Review status: criteria provided, single submitter. Criteria: GeneDx Variant Classification (06012015). Collection method: clinical testing. Allele origin: germline. Affected: yes.
Comment: This variant is considered likely benign or benign based on one or more of the following criteria: it is a conservative change, it occurs at a poorly conserved position in the protein, it is predicted to be benign by multiple in silico algorithms, and/or has population frequency not consistent with disease.

Laboratory for Molecular Medicine, Mass General Brigham Personalized Medicine
Classification: Benign. Last evaluated: 2012-04-20. Review status: criteria provided, single submitter. Criteria: LMM Criteria. Collection method: clinical testing. Allele origin: germline. Observed: 94 variant alleles.
Comment: Ser28399Ser in exon 288 of TTN: This variant is not expected to have clinical s ignificance because it does not alter an amino acid residue and is not located w ithin the splice consensus sequence. It has been identified in 3% (215/6700) of European American chromosomes from a broad population by the NHLBI Exome Sequenc ing Project (rs11694623).

Breakthrough Genomics
Classification: Likely benign. Review status: criteria provided, single submitter. Criteria: ACMG Guidelines, 2015. Collection method: not provided. Allele origin: germline. Inheritance: Autosomal recessive inheritance. Affected: yes.

PreventionGenetics, part of Exact Sciences
Classification: Benign. Review status: criteria provided, single submitter. Criteria: ACMG Guidelines, 2015. Collection method: clinical testing. Allele origin: germline.

Clinical Genetics, Academic Medical Center
Classification: Benign. Review status: no assertion criteria provided. Collection method: clinical testing. Allele origin: germline. Affected: yes. Study: VKGL Data-share Consensus. Not counted in ClinVar's aggregate classification.

Diagnostic Laboratory, Department of Genetics, University Medical Center Groningen
Classification: Likely benign. Review status: no assertion criteria provided. Collection method: clinical testing. Allele origin: germline. Affected: yes. Study: VKGL Data-share Consensus. Not counted in ClinVar's aggregate classification.

Genetic Services Laboratory, University of Chicago
Classification: Likely benign for AllHighlyPenetrant. Review status: no assertion criteria provided. Collection method: clinical testing. Allele origin: germline. Not counted in ClinVar's aggregate classification.
Comment: Likely benign based on allele frequency in 1000 Genomes Project or ESP global frequency and its presence in a patient with a rare or unrelated disease phenotype. NOT Sanger confirmed.

Genome Diagnostics Laboratory, University Medical Center Utrecht
Classification: Benign. Review status: no assertion criteria provided. Collection method: clinical testing. Allele origin: germline. Affected: yes. Study: VKGL Data-share Consensus. Not counted in ClinVar's aggregate classification.

Joint Genome Diagnostic Labs from Nijmegen and Maastricht, Radboudumc and MUMC+
Classification: Benign. Review status: no assertion criteria provided. Collection method: clinical testing. Allele origin: germline. Affected: yes. Study: VKGL Data-share Consensus. Not counted in ClinVar's aggregate classification.

Laboratory of Diagnostic Genome Analysis, Leiden University Medical Center (LUMC)
Classification: Likely benign. Review status: no assertion criteria provided. Collection method: clinical testing. Allele origin: germline. Affected: yes. Study: VKGL Data-share Consensus. Not counted in ClinVar's aggregate classification.